The following is an entry in ClinVar:

NM_012193.4(FZD4):c.1459G>T (p.Val487Leu)

Genes: FZD4 (frizzled class receptor 4; minus strand), PRSS23 (serine protease 23; plus strand). Cytogenetic location: 11q14.2.
Variant type: single nucleotide variant.
Coding change: c.1459G>T on transcript NM_012193.4 (MANE Select); coding-DNA position 1459, G replaced by T.
Protein change: p.Val487Leu; replaces valine 487 with leucine.
Molecular consequence: missense variant. On other transcripts: non-coding transcript variant (2).
Genome position (GRCh38, 1-based): chr11:86,951,297, C>A on the plus strand (G>T on the coding strand, the complement: FZD4 is on the minus strand). VCF-style: chr11-86951297-C-A. GRCh37 (hg19) VCF-style: chr11-86662339-C-A.
Other names: c.1459G>T (NM_012193.3); short protein forms V487L.
Identifiers: ClinVar variation 3613643 (VCV003613643.4).

ClinVar aggregate classification (germline): Uncertain significance. Review status: criteria provided, multiple submitters, no conflicts (2 of 4 stars). 3 submissions from 3 submitters: Uncertain significance (3). Last evaluated 2025-02-19.

Conditions:
Inborn genetic diseases. Identifiers: MedGen C0950123, MeSH D030342.

gnomAD v4.1: 4 of 1,614,120 alleles (0.00025%); highest among the groups gnomAD compares: African/African-American, 0.0013%; no homozygotes.

Submissions (3):

Labcorp Genetics (formerly Invitae), Labcorp
Classification: Uncertain significance. Last evaluated: 2025-02-19. Review status: criteria provided, single submitter. Criteria: Invitae Variant Classification Sherloc (09022015). Collection method: clinical testing. Allele origin: germline.
Comment: This sequence change replaces valine, which is neutral and non-polar, with leucine, which is neutral and non-polar, at codon 487 of the FZD4 protein (p.Val487Leu). This variant is not present in population databases (gnomAD no frequency). This variant has not been reported in the literature in individuals affected with FZD4-related conditions. Invitae Evidence Modeling of protein sequence and biophysical properties (such as structural, functional, and spatial information, amino acid conservation, physicochemical variation, residue mobility, and thermodynamic stability) indicates that this missense variant is not expected to disrupt FZD4 protein function with a negative predictive value of 80%. In summary, the available evidence is currently insufficient to determine the role of this variant in disease. Therefore, it has been classified as a Variant of Uncertain Significance.

Ambry Genetics
Classification: Uncertain significance for Inborn genetic diseases. Last evaluated: 2025-01-02. Review status: criteria provided, single submitter. Criteria: Ambry Variant Classification Scheme 2023. Collection method: clinical testing. Allele origin: germline.

Blueprint Genetics
Classification: Uncertain significance. Last evaluated: 2020-01-29. Review status: criteria provided, single submitter. Criteria: ACMG Guidelines, 2015. Collection method: clinical testing. Allele origin: germline.